The following is an entry in ClinVar:

ClinVar aggregate classification (germline): Likely benign (1 of 4 stars; one submission).

Submission:

CeGaT Center for Human Genetics Tuebingen
Classification: Likely benign. Last evaluated: 2022-05-01. Review status: criteria provided, single submitter. Criteria: CeGaT Center For Human Genetics Tuebingen Variant Classification Criteria Version 2. Collection method: clinical testing. Allele origin: germline. Affected: yes. Observed: 1 variant allele.
Comment: TTN: PM2:Supporting, BP4, BP7

NM_001267550.2(TTN):c.86112C>T (p.Ser28704=)

Genes: TTN (titin; minus strand), TTN-AS1 (TTN antisense RNA 1; plus strand). Cytogenetic location: 2q31.2.
Variant type: single nucleotide variant.
Coding change: c.86112C>T on transcript NM_001267550.2 (MANE Select); coding-DNA position 86112, C replaced by T.
Protein change: p.Ser28704=; no amino-acid change (serine 28704 retained).
Molecular consequence: synonymous variant.
Genome position (GRCh38, 1-based): chr2:178,560,020, G>A on the plus strand (C>T on the coding strand, the complement: TTN is on the minus strand). VCF-style: chr2-178560020-G-A. GRCh37 (hg19) VCF-style: chr2-179424747-G-A.
Other names: c.81189C>T, p.Ser27063= (NM_001256850.1); c.58917C>T, p.Ser19639= (NM_003319.4); c.78408C>T, p.Ser26136= (NM_133378.4); c.59292C>T, p.Ser19764= (NM_133432.3); c.59493C>T, p.Ser19831= (NM_133437.4).
Identifiers: ClinVar variation 1694985 (VCV001694985.31), dbSNP rs2154158346, ClinGen allele CA430248048.
Genomic context (GRCh38, chr2:178,560,020, plus strand): 5'-TCTGAAAACATATTCAGCTCCTGTTGTTAGTCCGCTTATTGTATATTCTGTCCCTCGTAA[G>A]CTCTGAATGGAAGTTTTCCAGTCAGTGTCATCAGATTTTTTGTATTCTACAGTATATCCA-3'
Protein context (NP_001254479.2, residues 28694-28714): DDTDWKTSIQ[Ser28704=]LRGTEYTISG